The following is an entry in ClinVar:

ClinVar aggregate classification (germline): Uncertain significance (1 of 4 stars; one submission).

Conditions:
Charcot-Marie-Tooth disease type 4. Also called: Charcot-Marie-Tooth disease, type IV; Charcot-Marie-Tooth, Type 4. Identifiers: Orphanet 64749, MedGen C4082197, MONDO:0018995.

Allele frequency attached by ClinVar (database versions not stated): gnomAD exomes below 0.00001; gnomAD 0.00001 and 0.00002; TOPMed 0.00002.
gnomAD v4.1: 4 of 1,613,908 alleles (0.00025%); highest among the groups gnomAD compares: African/African-American, 0.0053%; no homozygotes.

Submission:

Labcorp Genetics (formerly Invitae), Labcorp
Classification: Uncertain significance for Charcot-Marie-Tooth disease type 4. Last evaluated: 2021-09-01. Review status: criteria provided, single submitter. Criteria: Invitae Variant Classification Sherloc (09022015). Collection method: clinical testing. Allele origin: germline.
Comment: This sequence change replaces alanine with aspartic acid at codon 107 of the SH3TC2 protein (p.Ala107Asp). The alanine residue is moderately conserved and there is a moderate physicochemical difference between alanine and aspartic acid. This variant is not present in population databases (ExAC no frequency). This variant has not been reported in the literature in individuals affected with SH3TC2-related conditions. Algorithms developed to predict the effect of missense changes on protein structure and function output the following: SIFT: "Tolerated"; PolyPhen-2: "Benign"; Align-GVGD: "Class C0". The aspartic acid amino acid residue is found in multiple mammalian species, which suggests that this missense change does not adversely affect protein function. In summary, the available evidence is currently insufficient to determine the role of this variant in disease. Therefore, it has been classified as a Variant of Uncertain Significance.

NM_024577.4(SH3TC2):c.320C>A (p.Ala107Asp)

Gene: SH3TC2 (SH3 domain and tetratricopeptide repeats 2; minus strand). Cytogenetic location: 5q32.
Variant type: single nucleotide variant.
Coding change: c.320C>A on transcript NM_024577.4 (MANE Select); coding-DNA position 320, C replaced by A.
Protein change: p.Ala107Asp; replaces alanine 107 with aspartic acid.
Molecular consequence: missense variant.
Genome position (GRCh38, 1-based): chr5:149,044,598, G>T on the plus strand (C>A on the coding strand, the complement: SH3TC2 is on the minus strand). VCF-style: chr5-149044598-G-T. GRCh37 (hg19) VCF-style: chr5-148424161-G-T.
Other names: short protein forms A107D.
Identifiers: ClinVar variation 1039769 (VCV001039769.6), dbSNP rs1371951870, ClinGen allele CA361676898.